The following is an entry in ClinVar:

ClinVar aggregate classification (germline): Uncertain significance (1 of 4 stars; one submission).

gnomAD v4.1: 6 of 1,613,830 alleles (0.00037%); highest among the groups gnomAD compares: Non-Finnish European, 0.00051%; no homozygotes.

Submission:

Labcorp Genetics (formerly Invitae), Labcorp
Classification: Uncertain significance. Last evaluated: 2024-11-21. Review status: criteria provided, single submitter. Criteria: Invitae Variant Classification Sherloc (09022015). Collection method: clinical testing. Allele origin: germline.
Comment: This sequence change replaces glutamic acid, which is acidic and polar, with glycine, which is neutral and non-polar, at codon 1166 of the SCN3A protein (p.Glu1166Gly). This variant is present in population databases (no rsID available, gnomAD 0.0009%). This variant has not been reported in the literature in individuals affected with SCN3A-related conditions. Invitae Evidence Modeling of protein sequence and biophysical properties (such as structural, functional, and spatial information, amino acid conservation, physicochemical variation, residue mobility, and thermodynamic stability) indicates that this missense variant is not expected to disrupt SCN3A protein function with a negative predictive value of 80%. In summary, the available evidence is currently insufficient to determine the role of this variant in disease. Therefore, it has been classified as a Variant of Uncertain Significance.

NM_006922.4(SCN3A):c.3497A>G (p.Glu1166Gly)

Gene: SCN3A (sodium voltage-gated channel alpha subunit 3; minus strand). Cytogenetic location: 2q24.3.
Variant type: single nucleotide variant.
Coding change: c.3497A>G on transcript NM_006922.4 (MANE Select); coding-DNA position 3497, A replaced by G.
Protein change: p.Glu1166Gly; replaces glutamic acid 1166 with glycine.
Molecular consequence: missense variant.
Genome position (GRCh38, 1-based): chr2:165,115,472, T>C on the plus strand (A>G on the coding strand, the complement: SCN3A is on the minus strand). VCF-style: chr2-165115472-T-C. GRCh37 (hg19) VCF-style: chr2-165971982-T-C.
Other names: c.3350A>G, p.Glu1117Gly (NM_001081676.2, NM_001081677.2); short protein forms E1166G, E1117G.
Identifiers: ClinVar variation 3718247 (VCV003718247.2).
Genomic context (GRCh38, chr2:165,115,472, plus strand): 5'-GAACAAGGGGAGATTGTATTTAATCACATCAGAGCTTGTTTACCTTCAGTAAAACAAGCT[T>C]CCGGTTTAAGGTCTTCTTCGGGTTCAGTTTCAGCTTGTTCACCTTCTCGGGGTAGAACAA-3'
Protein context (NP_008853.3, residues 1156-1176): ETEPEEDLKP[Glu1166Gly]ACFTEGCIKK